The following is an entry in ClinVar:

ClinVar aggregate classification (germline): Conflicting classifications of pathogenicity. Review status: criteria provided, conflicting classifications (1 of 4 stars). 3 submissions from 3 submitters: Uncertain significance (2); Likely benign (1). Last evaluated 2024-12-13.

Conditions:
Hypercholesterolemia, autosomal dominant, type B (FHCL2). Also called: APOB-Related Familial Hypercholesterolemia, Autosomal Dominant; Hyperlipoproteinemia Type IIb; Familial Hypercholesterolemia Type B; APOLIPOPROTEIN B-100, FAMILIAL DEFECTIVE; APOLIPOPROTEIN B-100, FAMILIAL LIGAND-DEFECTIVE; Familial hypercholesterolemia 2. Identifiers: MedGen C1704417, MONDO:0007751, OMIM 144010.
Familial hypobetalipoproteinemia 1. Also called: APOB-Related Familial Hypobetalipoproteinemia; Hypobetalipoproteinemia, normotriglyceridemic; Acanthocytosis with hypobetalipoproteinemia. Identifiers: MedGen C4551990, MONDO:0014252, OMIM 615558.

Allele frequency attached by ClinVar (database versions not stated): gnomAD below 0.00001 and 0.00003; ExAC 0.00003; 1000 Genomes Project 30x 0.00016; 1000 Genomes Project 0.00020.
gnomAD v4.1: 41 of 1,614,222 alleles (0.0025%); highest among the groups gnomAD compares: South Asian, 0.043%; no homozygotes.

Submissions (3):

GeneDx
Classification: Uncertain significance. Last evaluated: 2024-12-13. Review status: criteria provided, single submitter. Criteria: GeneDx Variant Classification Process June 2021. Collection method: clinical testing. Allele origin: germline. Affected: yes.
Comment: In silico analysis supports that this missense variant has a deleterious effect on protein structure/function; Has not been previously published as pathogenic or benign to our knowledge

Labcorp Genetics (formerly Invitae), Labcorp
Classification: Likely benign for Familial hypobetalipoproteinemia 1; Hypercholesterolemia, autosomal dominant, type B. Last evaluated: 2024-04-29. Review status: criteria provided, single submitter. Criteria: Invitae Variant Classification Sherloc (09022015). Collection method: clinical testing. Allele origin: germline.

New York Genome Center
Classification: Uncertain significance for Hypercholesterolemia, autosomal dominant, type B; Familial hypobetalipoproteinemia 1. Last evaluated: 2021-12-20. Review status: criteria provided, single submitter. Criteria: NYGC Assertion Criteria 2020. Collection method: clinical testing. Allele origin: germline. Observed: 1 heterozygote.
Comment: The heterozygous c.649C>T (p.Pro217Ser) missense variant identified in the APOB gene has not been reported in affected individuals in the literature. The variant has 0.00003285 allele frequency in the gnomAD(v3) database (5 out of 152218 heterozygous alleles, no homozygotes) suggesting it is not a common benign variant in the populations represented in that database. This variant has been reported in the ClinVar database as a ‘variant of uncertain significance’[Variation ID: 630360] in the context of familial Hypercholesterolemia. The variant affects a moderately conserved residue and multiple in silico prediction tools provide conflicting predictions about potential pathogenicity of this variant (CADD=22.2, REVEL score = 0.251). Based on the available evidence, the heterozygous c.649C>T (p.Pro217Ser) variant identified in the APOB gene is reported as aVariant of Uncertain Significance.

NM_000384.3(APOB):c.649C>T (p.Pro217Ser)

Gene: APOB (apolipoprotein B; minus strand). Cytogenetic location: 2p24.1.
Variant type: single nucleotide variant.
Coding change: c.649C>T on transcript NM_000384.3 (MANE Select); coding-DNA position 649, C replaced by T.
Protein change: p.Pro217Ser; replaces proline 217 with serine.
Molecular consequence: missense variant.
Genome position (GRCh38, 1-based): chr2:21,037,144, G>A on the plus strand (C>T on the coding strand, the complement: APOB is on the minus strand). VCF-style: chr2-21037144-G-A. GRCh37 (hg19) VCF-style: chr2-21260016-G-A.
Other names: short protein forms P217S.
Identifiers: ClinVar variation 630360 (VCV000630360.12), dbSNP rs573308525, ClinGen allele CA063297.